The following is an entry in ClinVar:

NM_000257.4(MYH7):c.2815A>G (p.Lys939Glu)

Gene: MYH7 (myosin heavy chain 7; minus strand). Cytogenetic location: 14q11.2.
Variant type: single nucleotide variant.
Coding change: c.2815A>G on transcript NM_000257.4 (MANE Select); coding-DNA position 2815, A replaced by G.
Protein change: p.Lys939Glu; replaces lysine 939 with glutamic acid.
Molecular consequence: missense variant.
Genome position (GRCh38, 1-based): chr14:23,424,014, T>C on the plus strand (A>G on the coding strand, the complement: MYH7 is on the minus strand). VCF-style: chr14-23424014-T-C. GRCh37 (hg19) VCF-style: chr14-23893223-T-C.
Other names: c.2815A>G, p.Lys939Glu (NM_001407004.1); short protein forms K939E.
Identifiers: ClinVar variation 2854234 (VCV002854234.4), dbSNP rs1892589978, ClinGen allele CA389046960.
Genomic context (GRCh38, chr14:23,424,014, plus strand): 5'-GCTCCAGATCATCGATGTCCCTTTTGAGCTCTGAGCACTCATCTTCCAGCTTGCGCTTCT[T>C]GGCAGTGAGCTCAGCATTCATCTCCTCCTCATCCTCCAGCCTCTCGTTCATCTCCTTCAC-3'
Protein context (NP_000248.2, residues 929-949): EEEMNAELTA[Lys939Glu]KRKLEDECSE

ClinVar aggregate classification (germline): Uncertain significance. Review status: criteria provided, multiple submitters, no conflicts (2 of 4 stars). 2 submissions from 2 submitters: Uncertain significance (2). Last evaluated 2024-06-25.

Conditions:
Cardiovascular phenotype. Identifiers: MedGen CN230736.
Hypertrophic cardiomyopathy. Also called: HYPERTROPHIC MYOCARDIOPATHY. Identifiers: Orphanet 217569, MedGen C0007194, MeSH D002312, MONDO:0005045, HP:0001639.

Submissions (2):

Ambry Genetics
Classification: Uncertain significance for Cardiovascular phenotype. Last evaluated: 2024-06-25. Review status: criteria provided, single submitter. Criteria: Ambry Variant Classification Scheme 2023. Collection method: clinical testing. Allele origin: germline.
Comment: The p.K939E variant (also known as c.2815A>G), located in coding exon 21 of the MYH7 gene, results from an A to G substitution at nucleotide position 2815. The lysine at codon 939 is replaced by glutamic acid, an amino acid with similar properties. This amino acid position is highly conserved in available vertebrate species. In addition, this alteration is predicted to be deleterious by in silico analysis. Based on the available evidence, the clinical significance of this variant remains unclear.

Labcorp Genetics (formerly Invitae), Labcorp
Classification: Uncertain significance for Hypertrophic cardiomyopathy. Last evaluated: 2023-04-09. Review status: criteria provided, single submitter. Criteria: Invitae Variant Classification Sherloc (09022015). Collection method: clinical testing. Allele origin: germline.
Comment: In summary, the available evidence is currently insufficient to determine the role of this variant in disease. Therefore, it has been classified as a Variant of Uncertain Significance. Advanced modeling of protein sequence and biophysical properties (such as structural, functional, and spatial information, amino acid conservation, physicochemical variation, residue mobility, and thermodynamic stability) performed at Invitae indicates that this missense variant is expected to disrupt MYH7 protein function. This variant has not been reported in the literature in individuals affected with MYH7-related conditions. This variant is not present in population databases (gnomAD no frequency). This sequence change replaces lysine, which is basic and polar, with glutamic acid, which is acidic and polar, at codon 939 of the MYH7 protein (p.Lys939Glu).